The following is an entry in ClinVar:

NM_000536.4(RAG2):c.*183C>A

Gene: RAG2 (recombination activating 2; minus strand). Cytogenetic location: 11p12.
Variant type: single nucleotide variant.
Coding change: c.*183C>A on transcript NM_000536.4 (MANE Select); 183 bases downstream of the stop codon, C replaced by A.
Molecular consequence: 3 prime UTR variant.
Genome position (GRCh38, 1-based): chr11:36,592,402, G>T on the plus strand (C>A on the coding strand, the complement: RAG2 is on the minus strand). VCF-style: chr11-36592402-G-T. GRCh37 (hg19) VCF-style: chr11-36613952-G-T.
Other names: c.*183C>A (NM_001243785.2, NM_001243786.2).
Identifiers: ClinVar variation 304544 (VCV000304544.8), dbSNP rs12280564, ClinGen allele CA10638426.

ClinVar aggregate classification (germline): Benign. Review status: criteria provided, multiple submitters, no conflicts (2 of 4 stars). 4 submissions from 3 submitters: Benign (4). Last evaluated 2018-08-19.

Conditions:
Severe combined immunodeficiency, autosomal recessive, T cell-negative, B cell-negative, NK cell-positive. Also called: SCID, T CELL-NEGATIVE, B CELL-NEGATIVE, NK CELL-POSITIVE; SCID, AR, T-cell negative, B-cell negative, NK cell-positive; Severe combined immunodeficiency due to complete RAG1/2 deficiency. Identifiers: Orphanet 331206, MedGen C1832322, MONDO:0011086, OMIM 601457.
Histiocytic medullary reticulosis. Also called: SEVERE COMBINED IMMUNODEFICIENCY WITH HYPEREOSINOPHILIA; Omenn syndrome. Identifiers: Orphanet 39041, MedGen C2700553, MONDO:0011338, OMIM 603554.

Allele frequency attached by ClinVar (database versions not stated): gnomAD 0.03060 and 0.03300; 1000 Genomes Project 0.03335; TOPMed 0.03412; 1000 Genomes Project 30x 0.03623.
gnomAD v4.1: 6,642 of 723,624 alleles (0.92%); highest among the groups gnomAD compares: African/African-American, 11%; 308 homozygotes.

Submissions (4):

GeneDx
Classification: Benign. Last evaluated: 2018-08-19. Review status: criteria provided, single submitter. Criteria: GeneDx Variant Classification Process June 2021. Collection method: clinical testing. Allele origin: germline. Affected: yes.

Illumina Laboratory Services, Illumina
Classification: Benign for Severe combined immunodeficiency, autosomal recessive, T cell-negative, B cell-negative, NK cell-positive. Last evaluated: 2018-01-13. Review status: criteria provided, single submitter. Criteria: ICSL Variant Classification Criteria 13 December 2019. Collection method: clinical testing. Allele origin: germline.
Comment: This variant was observed in the ICSL laboratory as part of a predisposition screen in an ostensibly healthy population. It had not been previously curated by ICSL or reported in the Human Gene Mutation Database (HGMD: prior to June 1st, 2018), and was therefore a candidate for classification through an automated scoring system. Utilizing variant allele frequency, disease prevalence and penetrance estimates, and inheritance mode, an automated score was calculated to assess if this variant is too frequent to cause the disease. Based on the score and internal cut-off values, a variant classified as benign is not then subjected to further curation. The score for this variant resulted in a classification of benign for this disease.

Illumina Laboratory Services, Illumina
Classification: Benign for Histiocytic medullary reticulosis. Last evaluated: 2018-01-13. Review status: criteria provided, single submitter. Criteria: ICSL Variant Classification Criteria 13 December 2019. Collection method: clinical testing. Allele origin: germline.
Comment: the same text as in the submission from Illumina Laboratory Services, Illumina above.

Breakthrough Genomics
Classification: Benign. Review status: criteria provided, single submitter. Criteria: ACMG Guidelines, 2015. Collection method: not provided. Allele origin: germline. Inheritance: Autosomal recessive inheritance. Affected: yes.